The following is an entry in ClinVar:

NM_000173.7(GP1BA):c.-14G>A

Gene: GP1BA (glycoprotein Ib platelet subunit alpha; plus strand). Cytogenetic location: 17p13.2.
Variant type: single nucleotide variant.
Coding change: c.-14G>A on transcript NM_000173.7 (MANE Select); 14 bases upstream of the start codon, G replaced by A.
Molecular consequence: 5 prime UTR variant.
Genome position (GRCh38, 1-based): chr17:4,932,358, G>A. VCF-style: chr17-4932358-G-A. GRCh37 (hg19) VCF-style: chr17-4835653-G-A.
Identifiers: ClinVar variation 4995876 (VCV004995876.1).

ClinVar aggregate classification (germline): Likely benign (1 of 4 stars; one submission).

Conditions:
GP1BA-related disorder. Also called: GP1BA-related condition.

Submission:

PreventionGenetics, part of Exact Sciences
Classification: Likely benign for GP1BA-related condition. Last evaluated: 2026-02-05. Review status: criteria provided, single submitter. Criteria: ACMG Guidelines, 2015. Collection method: clinical testing. Allele origin: germline.
Comment: This variant is classified as likely benign based on ACMG/AMP sequence variant interpretation guidelines (Richards et al. 2015 PMID: 25741868, with internal and published modifications).